The following is an entry in ClinVar:

ClinVar aggregate classification (germline): Pathogenic. Review status: criteria provided, multiple submitters, no conflicts (2 of 4 stars). 2 submissions from 2 submitters: Pathogenic (2). Last evaluated 2022-03-30.

Conditions:
Hereditary cancer-predisposing syndrome. Also called: Neoplastic Syndromes, Hereditary; Hereditary neoplastic syndrome; Hereditary Cancer Syndrome; Tumor predisposition. Identifiers: Orphanet 140162, MedGen C0027672, MeSH D009386, MONDO:0015356.

Submissions (2):

Ambry Genetics
Classification: Pathogenic for Hereditary cancer-predisposing syndrome. Last evaluated: 2022-03-30. Review status: criteria provided, single submitter. Criteria: Ambry Variant Classification Scheme 2023. Collection method: clinical testing. Allele origin: germline.
Comment: The c.1234delT pathogenic mutation, located in coding exon 7 of the DICER1 gene, results from a deletion of one nucleotide at nucleotide position 1234, causing a translational frameshift with a predicted alternate stop codon (p.W412Gfs*46). This alteration is expected to result in loss of function by premature protein truncation or nonsense-mediated mRNA decay. As such, this alteration is interpreted as a disease-causing mutation.

GeneDx
Classification: Pathogenic. Last evaluated: 2020-11-10. Review status: criteria provided, single submitter. Criteria: GeneDx Variant Classification Process June 2021. Collection method: clinical testing. Allele origin: germline. Affected: yes.
Comment: Frameshift variant predicted to result in protein truncation or nonsense mediated decay in a gene for which loss-of-function is a known mechanism of disease; Not observed in large population cohorts (Lek et al., 2016); Has not been previously published as pathogenic or benign to our knowledge

NM_177438.3(DICER1):c.1234del (p.Trp412fs)

Gene: DICER1 (dicer 1, ribonuclease III; minus strand). Cytogenetic location: 14q32.13.
Variant type: Deletion.
Coding change: c.1234del on transcript NM_177438.3 (MANE Select); coding-DNA position 1234, one base deleted (T; older notation c.1234delT).
Protein change: p.Trp412fs; shifts the reading frame from tryptophan 412.
Molecular consequence: frameshift variant.
Genome position (GRCh38, 1-based): chr14:95,124,338, A deleted on the plus strand (T on the coding strand, the reverse complement: DICER1 is on the minus strand). VCF-style (leftmost placement, unchanged base first): chr14-95124337-CA-C. GRCh37 (hg19) VCF-style: chr14-95590674-CA-C.
Other names: c.1234del, p.Trp412fs (NM_001195573.1, NM_001271282.3, NM_001291628.2 and 1 more transcripts); c.1234delT (NM_177438.2); short protein forms W412fs.
Identifiers: ClinVar variation 449993 (VCV000449993.5), dbSNP rs1555374679, ClinGen allele CA658656454.